The following is an entry in ClinVar:

ClinVar aggregate classification (germline): Uncertain significance (1 of 4 stars; one submission).

Submission:

GeneDx
Classification: Uncertain significance. Last evaluated: 2024-06-26. Review status: criteria provided, single submitter. Criteria: GeneDx Variant Classification Process June 2021. Collection method: clinical testing. Allele origin: germline. Affected: yes.
Comment: Not observed at significant frequency in large population cohorts (gnomAD); In silico analysis supports that this missense variant has a deleterious effect on protein structure/function; Has not been previously published as pathogenic or benign to our knowledge

NM_000528.4(MAN2B1):c.1057T>C (p.Tyr353His)

Gene: MAN2B1 (mannosidase alpha class 2B member 1; minus strand). Cytogenetic location: 19p13.13.
Variant type: single nucleotide variant.
Coding change: c.1057T>C on transcript NM_000528.4 (MANE Select); coding-DNA position 1057, T replaced by C.
Protein change: p.Tyr353His; replaces tyrosine 353 with histidine.
Molecular consequence: missense variant.
Genome position (GRCh38, 1-based): chr19:12,658,480, A>G on the plus strand (T>C on the coding strand, the complement: MAN2B1 is on the minus strand). VCF-style: chr19-12658480-A-G. GRCh37 (hg19) VCF-style: chr19-12769294-A-G.
Other names: c.1054T>C, p.Tyr352His (NM_001173498.2); short protein forms Y352H, Y353H.
Identifiers: ClinVar variation 3392839 (VCV003392839.1).